The following is an entry in ClinVar:

NM_000075.4(CDK4):c.783A>T (p.Val261=)

Genes: TSPAN31 (tetraspanin 31; plus strand), CDK4 (cyclin dependent kinase 4; minus strand). Cytogenetic location: 12q14.1.
Variant type: single nucleotide variant.
Coding change: c.783A>T on transcript NM_000075.4 (MANE Select); coding-DNA position 783, A replaced by T.
Protein change: p.Val261=; no amino-acid change (valine 261 retained).
Molecular consequence: synonymous variant. On other transcripts: 3 prime UTR variant (3).
Genome position (GRCh38, 1-based): chr12:57,749,218, T>A on the plus strand (A>T on the coding strand, the complement: CDK4 is on the minus strand). VCF-style: chr12-57749218-T-A. GRCh37 (hg19) VCF-style: chr12-58143001-T-A.
Other names: c.*1928T>A (NM_001330168.2, NM_001330169.2, NM_005981.5).
Identifiers: ClinVar variation 3378786 (VCV003378786.3).

ClinVar aggregate classification (germline): Benign/Likely benign. Review status: criteria provided, multiple submitters, no conflicts (2 of 4 stars). 2 submissions from 2 submitters: Benign (1); Likely benign (1). Last evaluated 2024-09-26.

Conditions:
Melanoma, cutaneous malignant, susceptibility to, 3. Also called: Cutaneous malignant melanoma 3. Identifiers: Orphanet 618, MedGen C1836892, MONDO:0012183, OMIM 609048.
Familial melanoma. Also called: Hereditary melanoma; Hereditary cutaneous melanoma. Identifiers: Orphanet 618, MedGen C1512419, MONDO:0018961.

Submissions (2):

Myriad Genetics, Inc.
Classification: Benign for Melanoma, cutaneous malignant, susceptibility to, 3. Last evaluated: 2024-09-26. Review status: criteria provided, single submitter. Criteria: Myriad Autosomal Dominant, Autosomal Recessive and X-Linked Classification Criteria (2023). Collection method: clinical testing. Allele origin: unknown.
Comment: This variant is considered benign. This variant is a silent/synonymous amino acid change and it is not expected to impact splicing.

Labcorp Genetics (formerly Invitae), Labcorp
Classification: Likely benign for Familial melanoma. Last evaluated: 2024-02-18. Review status: criteria provided, single submitter. Criteria: Invitae Variant Classification Sherloc (09022015). Collection method: clinical testing. Allele origin: germline.